The following is an entry in ClinVar:

ClinVar aggregate classification (germline): Benign/Likely benign. Review status: criteria provided, multiple submitters, no conflicts (2 of 4 stars). 5 submissions from 5 submitters: Benign (1); Likely benign (3). 1 of the submissions does not count toward it. Last evaluated 2025-02-14.

Conditions:
Hereditary cancer-predisposing syndrome. Also called: Tumor predisposition; Hereditary neoplastic syndrome; Neoplastic Syndromes, Hereditary; Hereditary Cancer Syndrome. Identifiers: Orphanet 140162, MedGen C0027672, MeSH D009386, MONDO:0015356.
Fanconi anemia complementation group O. Also called: RAD51C-Related Fanconi Anemia. Identifiers: Orphanet 84, MedGen C3150653, MONDO:0013248, OMIM 613390.
Breast-ovarian cancer, familial, susceptibility to, 3. Also called: RAD51C-Related Breast/Ovarian Cancer. Identifiers: Orphanet 145, MedGen C3150659, MONDO:0013253, OMIM 613399.
Malignant tumor of breast. Also called: Cancer breast; Malignant breast neoplasm. Identifiers: MedGen C0006142, MONDO:0007254. Disease mechanism: loss of function.

gnomAD v4.1: 1 of 1,614,238 alleles (0.000062%); highest among the groups gnomAD compares: Admixed American, 0.0017%; no homozygotes.

Submissions (5):

Myriad Genetics, Inc.
Classification: Benign for Breast-ovarian cancer, familial, susceptibility to, 3. Last evaluated: 2025-02-14. Review status: criteria provided, single submitter. Criteria: Myriad Autosomal Dominant, Autosomal Recessive and X-Linked Classification Criteria (2023). Collection method: clinical testing. Allele origin: unknown.
Comment: This variant is considered benign. This variant is a silent/synonymous amino acid change and it is not expected to impact splicing.

CeGaT Center for Human Genetics Tuebingen
Classification: Likely benign. Last evaluated: 2025-01-01. Review status: criteria provided, single submitter. Criteria: CeGaT Center For Human Genetics Tuebingen Variant Classification Criteria Version 2. Collection method: clinical testing. Allele origin: germline. Affected: yes. Observed: 1 variant allele.
Comment: RAD51C: BP4, BP7

Labcorp Genetics (formerly Invitae), Labcorp
Classification: Likely benign for Fanconi anemia complementation group O. Last evaluated: 2024-08-27. Review status: criteria provided, single submitter. Criteria: Invitae Variant Classification Sherloc (09022015). Collection method: clinical testing. Allele origin: germline.

Color Diagnostics, LLC DBA Color Health
Classification: Likely benign for Hereditary cancer-predisposing syndrome. Last evaluated: 2020-10-06. Review status: criteria provided, single submitter. Criteria: ACMG Guidelines, 2015. Collection method: clinical testing. Allele origin: germline.

Department of Pathology and Laboratory Medicine, Sinai Health System
Classification: Uncertain significance for Malignant tumor of breast. Review status: no assertion criteria provided. Collection method: clinical testing. Allele origin: unknown. Affected: yes. Study: The Canadian Open Genetics Repository (COGR). Not counted in ClinVar's aggregate classification.
Comment: The RAD51C p.Leu27= variant was not identified in the literature nor was it identified in dbSNP, ClinVar, or LOVD 3.0. The variant was not identified in the following control databases: the Exome Aggregation Consortium (August 8th 2016), or the Genome Aggregation Database (Feb 27, 2017). The p.Leu27= variant is not expected to have clinical significance because it does not result in a change of amino acid and is not located in a known consensus splice site. The variant occurs outside of the splicing consensus sequence and 1 of 4 in silico or computational prediction software programs (SpliceSiteFinder, MaxEntScan, NNSPLICE, GeneSplicer) predict a greater than 10% difference in splicing; this is not very predictive of pathogenicity. In summary, based on the above information the clinical significance of this variant cannot be determined with certainty at this time. This variant is classified as a variant of uncertain significance.

NM_058216.3(RAD51C):c.81G>A (p.Leu27=)

Gene: RAD51C (RAD51 paralog C; plus strand). Cytogenetic location: 17q22.
Variant type: single nucleotide variant.
Coding change: c.81G>A on transcript NM_058216.3 (MANE Select); coding-DNA position 81, G replaced by A.
Protein change: p.Leu27=; no amino-acid change (leucine 27 retained).
Molecular consequence: synonymous variant. On other transcripts: non-coding transcript variant (1).
Genome position (GRCh38, 1-based): chr17:58,692,724, G>A. VCF-style: chr17-58692724-G-A. GRCh37 (hg19) VCF-style: chr17-56770085-G-A.
Other names: c.81G>A, p.Leu27= (NM_002876.4).
Identifiers: ClinVar variation 1049051 (VCV001049051.19), dbSNP rs1311969744, ClinGen allele CA501074364.